The following is an entry in ClinVar:

ClinVar aggregate classification (germline): Uncertain significance. Review status: criteria provided, multiple submitters, no conflicts (2 of 4 stars). 4 submissions from 4 submitters: Uncertain significance (3). 1 of the submissions does not count toward it. Last evaluated 2024-10-22.

Conditions:
Hereditary cancer-predisposing syndrome. Also called: Hereditary Cancer Syndrome; Hereditary neoplastic syndrome; Neoplastic Syndromes, Hereditary; Tumor predisposition. Identifiers: Orphanet 140162, MedGen C0027672, MeSH D009386, MONDO:0015356.
BRCA2-related cancer predisposition. Identifiers: MedGen CN377758, MONDO:0700269.
Hereditary breast ovarian cancer syndrome. Also called: Hereditary breast and ovarian cancer syndrome (HBOC); Breast and ovarian cancer; BRCA1- and BRCA2-Associated Hereditary Breast and Ovarian Cancer; Hereditary breast and/or ovarian cancer syndrome; Hereditary breast and ovarian cancer; Hereditary breast and ovarian cancer syndrome. Identifiers: Orphanet 145, MedGen C0677776, MeSH D061325, MONDO:0003582. Disease mechanism: loss of function.
Malignant tumor of breast. Also called: Malignant breast neoplasm; Cancer breast. Identifiers: MedGen C0006142, MONDO:0007254. Disease mechanism: loss of function.

Submissions (4):

Labcorp Genetics (formerly Invitae), Labcorp
Classification: Uncertain significance for Hereditary breast ovarian cancer syndrome. Last evaluated: 2024-10-22. Review status: criteria provided, single submitter. Criteria: Invitae Variant Classification Sherloc (09022015). Collection method: clinical testing. Allele origin: germline.
Comment: This variant, c.2093_2095del, results in the deletion of 1 amino acid(s) of the BRCA2 protein (p.Leu698del), but otherwise preserves the integrity of the reading frame. This variant is not present in population databases (gnomAD no frequency). This variant has not been reported in the literature in individuals affected with BRCA2-related conditions. ClinVar contains an entry for this variant (Variation ID: 433765). Experimental studies and prediction algorithms are not available or were not evaluated, and the functional significance of this variant is currently unknown. In summary, the available evidence is currently insufficient to determine the role of this variant in disease. Therefore, it has been classified as a Variant of Uncertain Significance.

All of Us Research Program, National Institutes of Health
Classification: Uncertain significance for BRCA2-related cancer predisposition. Last evaluated: 2024-06-09. Review status: criteria provided, single submitter. Criteria: ACMG Guidelines, 2015. Collection method: clinical testing. Allele origin: germline. Inheritance: Autosomal dominant inheritance. Observed: 1 variant allele, 1 heterozygote.
Comment: This variant causes an in-frame deletion of 1 amino acid, leucine at codon 698, in the BRCA2 protein. To our knowledge, functional studies have not been reported for this variant. This variant has not been reported in individuals affected with BRCA2-related disorders in the literature. This variant has not been identified in the general population by the Genome Aggregation Database (gnomAD). The available evidence is insufficient to determine the role of this variant in disease conclusively. Therefore, this variant is classified as a Variant of Uncertain Significance.

This study involves interpretation of variants in research participants for the purpose of population health screening. Participant phenotype was not available at the time of variant classification. Additional details can be found in publication PMID: 35346344, PMCID: PMC8962531

Ambry Genetics
Classification: Uncertain significance for Hereditary cancer-predisposing syndrome. Last evaluated: 2022-03-14. Review status: criteria provided, single submitter. Criteria: Ambry Variant Classification Scheme 2023. Collection method: clinical testing. Allele origin: germline.
Comment: The c.2093_2095delTAC variant (also known as p.L698del) is located in coding exon 10 of the BRCA2 gene. This variant results from an in-frame TAC deletion at nucleotide positions 2093 to 2095. This results in the in-frame deletion of a leucine at codon 698. This amino acid position is not well conserved in available vertebrate species. In addition, this alteration is predicted to be deleterious by in silico analysis (Choi Y et al. PLoS ONE. 2012; 7(10):e46688). Since supporting evidence is limited at this time, the clinical significance of this alteration remains unclear.

Department of Pathology and Laboratory Medicine, Sinai Health System
Classification: Uncertain significance for Malignant tumor of breast. Review status: no assertion criteria provided. Collection method: clinical testing. Allele origin: unknown. Affected: yes. Observed: 1 variant allele. Study: The Canadian Open Genetics Repository (COGR). Not counted in ClinVar's aggregate classification.
Comment: The p.Leu698del variant was not identified in the literature, nor was it identified in the dbSNP, NHLBI Exome Sequencing Project (Exome Variant Server), Exome Aggregation Consortium (ExAC), HGMD, LOVD, COSMIC, ClinVar, GeneInsight VariantWire, BIC or UMD. This variant is an in-frame deletion resulting in the removal of a Leucine (Leu) residue at codon 698 and this residue is poorly conserved across mammals and other organisms; the impact of this alteration on BRCA2 protein function is not known. This variant was found in our laboratory to co-occur with a known pathogenic mutation, c.181T>G (p.Cys61Gly), increasing the likelihood that the p.Leu698del variant does not have clinical significance. In summary, based on the above information, the clinical significance of this variant cannot be determined with certainty at this time. This variant is classified as a variant of unknown significance.

NM_000059.4(BRCA2):c.2093_2095del (p.Leu698del)

Gene: BRCA2 (BRCA2 DNA repair associated; plus strand). Cytogenetic location: 13q13.1.
Variant type: Deletion.
Coding change: c.2093_2095del on transcript NM_000059.4 (MANE Select); coding-DNA positions 2093 to 2095, 3 bases deleted (TAC; older notation c.2093_2095delTAC).
Protein change: p.Leu698del; deletes leucine 698.
Molecular consequence: inframe deletion.
Genome position (GRCh38, 1-based): chr13:32,336,448-32,336,450, TAC deleted; deleting any 3 consecutive bases within chr13:32,336,446-32,336,450 gives the same sequence; the c. name uses the placement nearest the transcript's 3' end. VCF-style (leftmost placement, unchanged base first): chr13-32336445-AACT-A. GRCh37 (hg19) VCF-style: chr13-32910582-AACT-A.
Other names: c.2093_2095delTAC (NM_000059.3); short protein forms L698del.
Identifiers: ClinVar variation 433765 (VCV000433765.20), dbSNP rs1555282435, ClinGen allele CA645372983.